The following is an entry in ClinVar:

ClinVar aggregate classification (germline): Likely benign. Review status: criteria provided, multiple submitters, no conflicts (2 of 4 stars). 2 submissions from 2 submitters: Likely benign (2). Last evaluated 2025-08-03.

Allele frequency attached by ClinVar (database versions not stated): gnomAD exomes below 0.00001 and 0.00001; ExAC 0.00001; gnomAD 0.00001; TOPMed 0.00003.
gnomAD v4.1: 20 of 1,613,320 alleles (0.0012%); highest among the groups gnomAD compares: African/African-American, 0.004%; no homozygotes.

Submissions (2):

Labcorp Genetics (formerly Invitae), Labcorp
Classification: Likely benign. Last evaluated: 2025-08-03. Review status: criteria provided, single submitter. Criteria: Invitae Variant Classification Sherloc (09022015). Collection method: clinical testing. Allele origin: germline.

CeGaT Center for Human Genetics Tuebingen
Classification: Likely benign. Last evaluated: 2024-02-01. Review status: criteria provided, single submitter. Criteria: CeGaT Center For Human Genetics Tuebingen Variant Classification Criteria Version 2. Collection method: clinical testing. Allele origin: germline. Affected: yes. Observed: 1 variant allele.
Comment: TUBGCP6: BP4, BP7

NM_020461.4(TUBGCP6):c.3864C>T (p.Pro1288=)

Gene: TUBGCP6 (tubulin gamma complex component 6; minus strand). Cytogenetic location: 22q13.33.
Variant type: single nucleotide variant.
Coding change: c.3864C>T on transcript NM_020461.4 (MANE Select); coding-DNA position 3864, C replaced by T.
Protein change: p.Pro1288=; no amino-acid change (proline 1288 retained).
Molecular consequence: synonymous variant.
Genome position (GRCh38, 1-based): chr22:50,220,495, G>A on the plus strand (C>T on the coding strand, the complement: TUBGCP6 is on the minus strand). VCF-style: chr22-50220495-G-A. GRCh37 (hg19) VCF-style: chr22-50658924-G-A.
Identifiers: ClinVar variation 1123750 (VCV001123750.31), dbSNP rs760825975, ClinGen allele CA10307800.
Genomic context (GRCh38, chr22:50,220,495, plus strand): 5'-CAGGCTGAGCGCTGACTGGGACGTGTGGCCAGGGGGGCTCTGTTGGGGCCTGGGTGTGTT[G>A]GGCTCAGCTTCTGGTGAGAGAGCCCCCAGCACCATGTGGGGCGGAGGGATGGGTACATGG-3'
Protein context (NP_065194.3, residues 1278-1298): VLGALSPEAE[Pro1288=]NTPRPQQSPP